The following is an entry in ClinVar:

ClinVar aggregate classification (germline): Uncertain significance. Review status: criteria provided, multiple submitters, no conflicts (2 of 4 stars). 2 submissions from 2 submitters: Uncertain significance (2). Last evaluated 2025-12-20.

Allele frequency attached by ClinVar (database versions not stated): gnomAD exomes below 0.00001 and 0.00001; ExAC 0.00001; TOPMed 0.00002; gnomAD 0.00003 and 0.00004.
gnomAD v4.1: 8 of 1,613,926 alleles (0.0005%); highest among the groups gnomAD compares: African/African-American, 0.011%; no homozygotes.

Submissions (2):

Labcorp Genetics (formerly Invitae), Labcorp
Classification: Uncertain significance. Last evaluated: 2025-12-20. Review status: criteria provided, single submitter. Criteria: Invitae Variant Classification Sherloc (09022015). Collection method: clinical testing. Allele origin: germline.
Comment: This sequence change replaces proline, which is neutral and non-polar, with threonine, which is neutral and polar, at codon 496 of the MYLK3 protein (p.Pro496Thr). This variant is present in population databases (rs765730236, gnomAD 0.02%). This variant has not been reported in the literature in individuals affected with MYLK3-related conditions. ClinVar contains an entry for this variant (Variation ID: 1513431). An algorithm developed to predict the effect of missense changes on protein structure and function (PolyPhen-2) suggests that this variant is likely to be disruptive. In summary, the available evidence is currently insufficient to determine the role of this variant in disease. Therefore, it has been classified as a Variant of Uncertain Significance.

Ambry Genetics
Classification: Uncertain significance. Last evaluated: 2025-03-18. Review status: criteria provided, single submitter. Criteria: Ambry Variant Classification Scheme 2023. Collection method: clinical testing. Allele origin: germline.

NM_182493.3(MYLK3):c.1486C>A (p.Pro496Thr)

Gene: MYLK3 (myosin light chain kinase 3; minus strand). Cytogenetic location: 16q11.2.
Variant type: single nucleotide variant.
Coding change: c.1486C>A on transcript NM_182493.3 (MANE Select); coding-DNA position 1486, C replaced by A.
Protein change: p.Pro496Thr; replaces proline 496 with threonine.
Molecular consequence: missense variant.
Genome position (GRCh38, 1-based): chr16:46,730,675, G>T on the plus strand (C>A on the coding strand, the complement: MYLK3 is on the minus strand). VCF-style: chr16-46730675-G-T. GRCh37 (hg19) VCF-style: chr16-46764587-G-T.
Other names: c.463C>A, p.Pro155Thr (NM_001308301.1); c.1486C>A (NM_182493.2); short protein forms P155T, P496T.
Identifiers: ClinVar variation 1513431 (VCV001513431.9), dbSNP rs765730236, ClinGen allele CA8037964.
Genomic context (GRCh38, chr16:46,730,675, plus strand): 5'-ACACCTCGTAACCCGCAGAGATGGAGGTCTCCTTGACGCTCACTACCCGGTGTTCAAAAG[G>T]AGCTGGTGGGGCCGGACTGTCATCTGCTCAGGAGGCAATAAGGACCTGTGAGCCTCCTCT-3'
Protein context (NP_872299.2, residues 486-506): VLDDSPAPPA[Pro496Thr]FEHRVVSVKE